The following is an entry in ClinVar:

NM_002398.3(MEIS1):c.774C>G (p.Pro258=)

Gene: MEIS1 (Meis homeobox 1; plus strand). Cytogenetic location: 2p14.
Variant type: single nucleotide variant.
Coding change: c.774C>G on transcript NM_002398.3 (MANE Select); coding-DNA position 774, C replaced by G.
Protein change: p.Pro258=; no amino-acid change (proline 258 retained).
Molecular consequence: synonymous variant.
Genome position (GRCh38, 1-based): chr2:66,512,180, C>G. VCF-style: chr2-66512180-C-G. GRCh37 (hg19) VCF-style: chr2-66739312-C-G.
Identifiers: ClinVar variation 4979018 (VCV004979018.1).
Genomic context (GRCh38, chr2:66,512,180, plus strand): 5'-AGTCAAAATTTGATTCGCTATGTTTGCAGGTGATGGCTTGGACAACAGTGTAGCTTCCCC[C>G]AGCACAGGTGACGATGATGACCCTGATAAGGACAAAAAGCGTCACAAAAAGCGTGGCATC-3'
Protein context (NP_002389.1, residues 248-268): GDGLDNSVAS[Pro258=]STGDDDDPDK

ClinVar aggregate classification (germline): Likely benign (1 of 4 stars; one submission).

Conditions:
MEIS1-related disorder. Also called: MEIS1-related condition.

gnomAD v4.1: 17 of 1,606,796 alleles (0.0011%); highest among the groups gnomAD compares: African/African-American, 0.012%; no homozygotes.

Submission:

PreventionGenetics, part of Exact Sciences
Classification: Likely benign for MEIS1-related condition. Last evaluated: 2026-03-13. Review status: criteria provided, single submitter. Criteria: ACMG Guidelines, 2015. Collection method: clinical testing. Allele origin: germline.
Comment: This variant is classified as likely benign based on ACMG/AMP sequence variant interpretation guidelines (Richards et al. 2015 PMID: 25741868, with internal and published modifications).